The following is an entry in ClinVar:

NM_020117.11(LARS1):c.3240C>G (p.His1080Gln)

Gene: LARS1 (leucyl-tRNA synthetase 1; minus strand). Cytogenetic location: 5q32.
Variant type: single nucleotide variant.
Coding change: c.3240C>G on transcript NM_020117.11 (MANE Select); coding-DNA position 3240, C replaced by G.
Protein change: p.His1080Gln; replaces histidine 1080 with glutamine.
Molecular consequence: missense variant.
Genome position (GRCh38, 1-based): chr5:146,120,456, G>C on the plus strand (C>G on the coding strand, the complement: LARS1 is on the minus strand). VCF-style: chr5-146120456-G-C. GRCh37 (hg19) VCF-style: chr5-145500019-G-C.
Other names: c.3159C>G, p.His1053Gln (NM_016460.4); c.3102C>G, p.His1034Gln (NM_001317964.2); c.3078C>G, p.His1026Gln (NM_001317965.2); c.3240C>G (NM_020117.9); short protein forms H1026Q, H1034Q, H1053Q, H1080Q.
Identifiers: ClinVar variation 2682517 (VCV002682517.3), dbSNP rs1284711214, ClinGen allele CA361609214.

ClinVar aggregate classification (germline): Uncertain significance. Review status: criteria provided, multiple submitters, no conflicts (2 of 4 stars). 3 submissions from 3 submitters: Uncertain significance (3). Last evaluated 2026-02-18.

Allele frequency attached by ClinVar (database versions not stated): gnomAD exomes 0.00001.
gnomAD v4.1: 15 of 1,613,276 alleles (0.00093%); highest among the groups gnomAD compares: Non-Finnish European, 0.0012%; no homozygotes.

Submissions (3):

GeneDx
Classification: Uncertain significance. Last evaluated: 2026-02-18. Review status: criteria provided, single submitter. Criteria: GeneDx Variant Classification Process June 2021. Collection method: clinical testing. Allele origin: germline.
Comment: Not observed at significant frequency in large population cohorts (gnomAD); In silico analysis suggests that this missense variant does not alter protein structure/function; Has not been previously published as pathogenic or benign to our knowledge

Ambry Genetics
Classification: Uncertain significance. Last evaluated: 2025-11-07. Review status: criteria provided, single submitter. Criteria: Ambry Variant Classification Scheme 2023. Collection method: clinical testing. Allele origin: germline.

Women's Health and Genetics/Laboratory Corporation of America, LabCorp
Classification: Uncertain significance. Last evaluated: 2023-11-14. Review status: criteria provided, single submitter. Criteria: LabCorp Variant Classification Summary - May 2015. Collection method: clinical testing. Allele origin: germline.
Comment: Variant summary: LARS1 c.3240C>G (p.His1080Gln) results in a non-conservative amino acid change in the encoded protein sequence. Three of five in-silico tools predict a benign effect of the variant on protein function. The variant was absent in 250552 control chromosomes. The available data on variant occurrences in the general population are insufficient to allow any conclusion about variant significance. To our knowledge, no occurrence of c.3240C>G in individuals affected with Liver Failure Acute Infantile, Type 1 and no experimental evidence demonstrating its impact on protein function have been reported. No submitters have cited clinical-significance assessments for this variant to ClinVar after 2014. Based on the evidence outlined above, the variant was classified as uncertain significance.